The following is an entry in ClinVar:

ClinVar aggregate classification (germline): Uncertain significance (1 of 4 stars; one submission).

Conditions:
Hereditary breast ovarian cancer syndrome. Also called: Hereditary breast and ovarian cancer; BRCA1- and BRCA2-Associated Hereditary Breast and Ovarian Cancer; Hereditary breast and ovarian cancer syndrome; Breast and ovarian cancer; Hereditary breast and ovarian cancer syndrome (HBOC); Hereditary breast and/or ovarian cancer syndrome. Identifiers: Orphanet 145, MedGen C0677776, MeSH D061325, MONDO:0003582. Disease mechanism: loss of function.

Submission:

Labcorp Genetics (formerly Invitae), Labcorp
Classification: Uncertain significance for Hereditary breast ovarian cancer syndrome. Last evaluated: 2022-12-10. Review status: criteria provided, single submitter. Criteria: Invitae Variant Classification Sherloc (09022015). Collection method: clinical testing. Allele origin: germline.
Comment: This sequence change replaces tyrosine, which is neutral and polar, with histidine, which is basic and polar, at codon 3203 of the BRCA2 protein (p.Tyr3203His). This variant is not present in population databases (gnomAD no frequency). This variant has not been reported in the literature in individuals affected with BRCA2-related conditions. Advanced modeling of protein sequence and biophysical properties (such as structural, functional, and spatial information, amino acid conservation, physicochemical variation, residue mobility, and thermodynamic stability) performed at Invitae indicates that this missense variant is not expected to disrupt BRCA2 protein function. In summary, the available evidence is currently insufficient to determine the role of this variant in disease. Therefore, it has been classified as a Variant of Uncertain Significance.

NM_000059.4(BRCA2):c.9607T>C (p.Tyr3203His)

Gene: BRCA2 (BRCA2 DNA repair associated; plus strand). Cytogenetic location: 13q13.1.
Variant type: single nucleotide variant.
Coding change: c.9607T>C on transcript NM_000059.4 (MANE Select); coding-DNA position 9607, T replaced by C.
Protein change: p.Tyr3203His; replaces tyrosine 3203 with histidine.
Molecular consequence: missense variant. On other transcripts: non-coding transcript variant (1).
Genome position (GRCh38, 1-based): chr13:32,397,003, T>C. VCF-style: chr13-32397003-T-C. GRCh37 (hg19) VCF-style: chr13-32971140-T-C.
Other names: c.9511T>C, p.Tyr3171His (NM_001406719.1); c.9556T>C, p.Tyr3186His (NM_001406720.1); c.4675T>C, p.Tyr1559His (NM_001406721.1); c.3190T>C, p.Tyr1064His (NM_001406722.1); short protein forms Y3171H, Y3186H, Y1064H, Y3203H, Y1559H.
Identifiers: ClinVar variation 2819797 (VCV002819797.3), dbSNP rs2137659518, ClinGen allele CA387763609.